The following is an entry in ClinVar:

ClinVar aggregate classification (germline): Conflicting classifications of pathogenicity. Review status: criteria provided, conflicting classifications (1 of 4 stars). 7 submissions from 7 submitters: Uncertain significance (2); Benign (1); Likely benign (3). 1 of the submissions does not count toward it. Last evaluated 2026-01-20.

Conditions:
CLIC5-related disorder. Also called: CLIC5-related condition.

Allele frequency attached by ClinVar (database versions not stated): ESP Exome Variant Server 0.00038; gnomAD exomes 0.00071 and 0.00136; TOPMed 0.00089; gnomAD 0.00116 and 0.00126; ExAC 0.00130; 1000 Genomes Project 30x 0.00203; 1000 Genomes Project 0.00220.
gnomAD v4.1: 1,222 of 1,613,862 alleles (0.076%); highest among the groups gnomAD compares: East Asian, 0.99%; 3 homozygotes.

Submissions (7):

Labcorp Genetics (formerly Invitae), Labcorp
Classification: Likely benign. Last evaluated: 2026-01-20. Review status: criteria provided, single submitter. Criteria: Invitae Variant Classification Sherloc (09022015). Collection method: clinical testing. Allele origin: germline.

Women's Health and Genetics/Laboratory Corporation of America, LabCorp
Classification: Uncertain significance. Last evaluated: 2024-12-04. Review status: criteria provided, single submitter. Criteria: LabCorp Variant Classification Summary - May 2015. Collection method: clinical testing. Allele origin: germline.
Comment: Variant summary: CLIC5 c.326G>A (p.Arg109Gln) results in a conservative amino acid change in the encoded protein sequence. Three of five in-silico tools predict a benign effect of the variant on protein function. The variant allele was found at a frequency of 0.0014 in 251330 control chromosomes. This frequency is not significantly higher than estimated for a pathogenic variant in CLIC5 causing Autosomal Recessive Nonsyndromic Hearing Loss 103, allowing no conclusion about variant significance. To our knowledge, no occurrence of c.326G>A in individuals affected with Autosomal Recessive Nonsyndromic Hearing Loss 103 and no experimental evidence demonstrating its impact on protein function have been reported. ClinVar contains an entry for this variant (Variation ID: 597745). Based on the evidence outlined above, the variant was classified as uncertain significance.

Blueprint Genetics
Classification: Likely benign. Last evaluated: 2024-11-08. Review status: criteria provided, single submitter. Criteria: ACMG Guidelines, 2015. Collection method: clinical testing. Allele origin: germline.

GeneDx
Classification: Benign. Last evaluated: 2020-10-13. Review status: criteria provided, single submitter. Criteria: GeneDx Variant Classification Process June 2021. Collection method: clinical testing. Allele origin: germline. Affected: yes.

CeGaT Center for Human Genetics Tuebingen
Classification: Uncertain significance. Last evaluated: 2018-08-01. Review status: criteria provided, single submitter. Criteria: CeGaT Center For Human Genetics Tuebingen Variant Classification Criteria Version 2. Collection method: clinical testing. Allele origin: germline. Affected: yes. Observed: 1 variant allele.

Eurofins Ntd Llc (ga)
Classification: Likely benign. Last evaluated: 2018-06-28. Review status: criteria provided, single submitter. Criteria: EGL ClinVar v180209 classification definitions. Collection method: clinical testing. Allele origin: germline. Observed: 1 variant allele, 1 heterozygote.

PreventionGenetics, part of Exact Sciences
Classification: Likely benign for CLIC5-related condition. Last evaluated: 2019-10-01. Review status: no assertion criteria provided. Collection method: clinical testing. Allele origin: germline. Not counted in ClinVar's aggregate classification.
Comment: This variant is classified as likely benign based on ACMG/AMP sequence variant interpretation guidelines (Richards et al. 2015 PMID: 25741868, with internal and published modifications).

NM_016929.5(CLIC5):c.326G>A (p.Arg109Gln)

Gene: CLIC5 (CLIC family member 5; minus strand). Cytogenetic location: 6p21.1.
Variant type: single nucleotide variant.
Coding change: c.326G>A on transcript NM_016929.5 (MANE Select); coding-DNA position 326, G replaced by A.
Protein change: p.Arg109Gln; replaces arginine 109 with glutamine.
Molecular consequence: missense variant.
Genome position (GRCh38, 1-based): chr6:45,941,627, C>T on the plus strand (G>A on the coding strand, the complement: CLIC5 is on the minus strand). VCF-style: chr6-45941627-C-T. GRCh37 (hg19) VCF-style: chr6-45909364-C-T.
Other names: c.803G>A, p.Arg268Gln (NM_001114086.2, NM_001370650.1); c.326G>A, p.Arg109Gln (NM_001256023.2); c.209G>A, p.Arg70Gln (NM_001370649.1); short protein forms R268Q, R70Q, R109Q.
Identifiers: ClinVar variation 597745 (VCV000597745.58), dbSNP rs117204561, ClinGen allele CA3836827.